The following is an entry in ClinVar:

NM_002303.6(LEPR):c.1612C>T (p.Leu538=)

Gene: LEPR (leptin receptor; plus strand). Cytogenetic location: 1p31.3.
Variant type: single nucleotide variant.
Coding change: c.1612C>T on transcript NM_002303.6 (MANE Select); coding-DNA position 1612, C replaced by T.
Protein change: p.Leu538=; no amino-acid change (leucine 538 retained).
Molecular consequence: synonymous variant.
Genome position (GRCh38, 1-based): chr1:65,608,761, C>T. VCF-style: chr1-65608761-C-T. GRCh37 (hg19) VCF-style: chr1-66074444-C-T.
Other names: c.1612C>T, p.Leu538= (NM_001003679.3, NM_001003680.3, NM_001198687.2 and 2 more transcripts).
Identifiers: ClinVar variation 3031530 (VCV003031530.7), dbSNP rs1038198266, ClinGen allele CA23915992.

ClinVar aggregate classification (germline): Likely benign. Review status: criteria provided, single submitter (1 of 4 stars). 2 submissions from 2 submitters: Likely benign (1). 1 of the submissions does not count toward it. Last evaluated 2025-12-01.

Conditions:
LEPR-related disorder. Also called: LEPR-related condition; LEPR-related disorders.

Allele frequency attached by ClinVar (database versions not stated): gnomAD exomes below 0.00001; gnomAD 0.00007; TOPMed 0.00012.

Submissions (2):

CeGaT Center for Human Genetics Tuebingen
Classification: Likely benign. Last evaluated: 2025-12-01. Review status: criteria provided, single submitter. Criteria: CeGaT Center For Human Genetics Tuebingen Variant Classification Criteria Version 2. Collection method: clinical testing. Allele origin: germline. Affected: yes. Observed: 1 variant allele.
Comment: LEPR: BP4, BP7

PreventionGenetics, part of Exact Sciences
Classification: Likely benign for LEPR-related condition. Last evaluated: 2021-08-23. Review status: no assertion criteria provided. Collection method: clinical testing. Allele origin: germline. Not counted in ClinVar's aggregate classification.
Comment: This variant is classified as likely benign based on ACMG/AMP sequence variant interpretation guidelines (Richards et al. 2015 PMID: 25741868, with internal and published modifications).